The following is an entry in ClinVar:

ClinVar aggregate classification (germline): Uncertain significance (1 of 4 stars; one submission).

Allele frequency attached by ClinVar (database versions not stated): gnomAD 0.00001; ExAC 0.00002; gnomAD exomes 0.00002; TOPMed 0.00003.
gnomAD v4.1: 30 of 1,614,074 alleles (0.0019%); highest among the groups gnomAD compares: Middle Eastern, 0.016%; no homozygotes.

Submission:

Labcorp Genetics (formerly Invitae), Labcorp
Classification: Uncertain significance. Last evaluated: 2023-01-06. Review status: criteria provided, single submitter. Criteria: Invitae Variant Classification Sherloc (09022015). Collection method: clinical testing. Allele origin: germline.
Comment: This variant has not been reported in the literature in individuals affected with MYH3-related conditions. In summary, the available evidence is currently insufficient to determine the role of this variant in disease. Therefore, it has been classified as a Variant of Uncertain Significance. Advanced modeling of protein sequence and biophysical properties (such as structural, functional, and spatial information, amino acid conservation, physicochemical variation, residue mobility, and thermodynamic stability) performed at Invitae indicates that this missense variant is not expected to disrupt MYH3 protein function. This variant is present in population databases (rs754964835, gnomAD 0.006%). This sequence change replaces glutamic acid, which is acidic and polar, with lysine, which is basic and polar, at codon 575 of the MYH3 protein (p.Glu575Lys).

NM_002470.4(MYH3):c.1723G>A (p.Glu575Lys)

Gene: MYH3 (myosin heavy chain 3; minus strand). Cytogenetic location: 17p13.1.
Variant type: single nucleotide variant.
Coding change: c.1723G>A on transcript NM_002470.4 (MANE Select); coding-DNA position 1723, G replaced by A.
Protein change: p.Glu575Lys; replaces glutamic acid 575 with lysine.
Molecular consequence: missense variant.
Genome position (GRCh38, 1-based): chr17:10,642,582, C>T on the plus strand (G>A on the coding strand, the complement: MYH3 is on the minus strand). VCF-style: chr17-10642582-C-T. GRCh37 (hg19) VCF-style: chr17-10545899-C-T.
Other names: short protein forms E575K.
Identifiers: ClinVar variation 2732302 (VCV002732302.3), dbSNP rs754964835, ClinGen allele CA8392945.